The following is an entry in ClinVar:

NM_005898.5(CAPRIN1):c.808G>T (p.Asp270Tyr)

Gene: CAPRIN1 (cell cycle associated protein 1; plus strand). Cytogenetic location: 11p13.
Variant type: single nucleotide variant.
Coding change: c.808G>T on transcript NM_005898.5 (MANE Select); coding-DNA position 808, G replaced by T.
Protein change: p.Asp270Tyr; replaces aspartic acid 270 with tyrosine.
Molecular consequence: missense variant.
Genome position (GRCh38, 1-based): chr11:34,079,747, G>T. VCF-style: chr11-34079747-G-T. GRCh37 (hg19) VCF-style: chr11-34101294-G-T.
Other names: c.808G>T, p.Asp270Tyr (NM_203364.3); short protein forms D270Y.
Identifiers: ClinVar variation 3364650 (VCV003364650.1).
Genomic context (GRCh38, chr11:34,079,747, plus strand): 5'-CACAACCACCAGAATGGGCTGTGTGAGGAAGAAGAGGCAGCCTCAGCACCTGCAGTTGAA[G>T]ACCAGGTACCTGAAGCTGGTGAGTATTAGGTGGATATCAACTTTAGTTTAGGGTCCTGGT-3'
Protein context (NP_005889.3, residues 260-280): EEAASAPAVE[Asp270Tyr]QVPEAEPEPA

ClinVar aggregate classification (germline): Uncertain significance (1 of 4 stars; one submission).

Submission:

GeneDx
Classification: Uncertain significance. Last evaluated: 2023-11-19. Review status: criteria provided, single submitter. Criteria: GeneDx Variant Classification Process June 2021. Collection method: clinical testing. Allele origin: germline. Affected: yes.
Comment: Not observed at significant frequency in large population cohorts (gnomAD); In silico analysis supports that this missense variant has a deleterious effect on protein structure/function; Has not been previously published as pathogenic or benign to our knowledge; In silico analysis suggests this variant may impact gene splicing. In the absence of RNA/functional studies, the actual effect of this sequence change is unknown.